The following is an entry in ClinVar:

NM_178138.6(LHX3):c.582G>C (p.Thr194=)

Gene: LHX3 (LIM homeobox 3; minus strand). Cytogenetic location: 9q34.3.
Variant type: single nucleotide variant.
Coding change: c.582G>C on transcript NM_178138.6 (MANE Select); coding-DNA position 582, G replaced by C.
Protein change: p.Thr194=; no amino-acid change (threonine 194 retained).
Molecular consequence: synonymous variant.
Genome position (GRCh38, 1-based): chr9:136,198,932, C>G on the plus strand (G>C on the coding strand, the complement: LHX3 is on the minus strand). VCF-style: chr9-136198932-C-G. GRCh37 (hg19) VCF-style: chr9-139090778-C-G.
Other names: c.549G>C, p.Thr183= (NM_001363746.1); c.597G>C, p.Thr199= (NM_014564.5).
Identifiers: ClinVar variation 726878 (VCV000726878.15), dbSNP rs759590430, ClinGen allele CA5330455.

ClinVar aggregate classification (germline): Likely benign. Review status: criteria provided, multiple submitters, no conflicts (2 of 4 stars). 5 submissions from 5 submitters: Likely benign (3). 2 of the submissions do not count toward it. Last evaluated 2026-04-15.

Conditions:
Non-acquired combined pituitary hormone deficiency with spine abnormalities (CPHD3). Also called: Winkelman Bethge Pfeiffer syndrome; WBP syndrome; Combined pituitary hormone deficiency type 3. Identifiers: Orphanet 231720, MedGen C3489787, MONDO:0009091, OMIM 221750.
LHX3-related disorder. Also called: LHX3-related condition.

Allele frequency attached by ClinVar (database versions not stated): TOPMed 0.00010.

Submissions (5):

Women's Health and Genetics/Laboratory Corporation of America, LabCorp
Classification: Likely benign. Last evaluated: 2026-04-15. Review status: criteria provided, single submitter. Criteria: LabCorp Variant Classification Summary - May 2015. Collection method: clinical testing. Allele origin: germline.

Labcorp Genetics (formerly Invitae), Labcorp
Classification: Likely benign. Last evaluated: 2024-10-30. Review status: criteria provided, single submitter. Criteria: Invitae Variant Classification Sherloc (09022015). Collection method: clinical testing. Allele origin: germline.

Fulgent Genetics
Classification: Likely benign for Non-acquired combined pituitary hormone deficiency with spine abnormalities. Last evaluated: 2021-10-07. Review status: criteria provided, single submitter. Criteria: ACMG Guidelines, 2015. Collection method: clinical testing. Allele origin: unknown.

Natera, Inc.
Classification: Likely benign for Combined pituitary hormone deficiency type 3. Last evaluated: 2021-01-06. Review status: no assertion criteria provided. Collection method: clinical testing. Allele origin: germline. Not counted in ClinVar's aggregate classification.

PreventionGenetics, part of Exact Sciences
Classification: Likely benign for LHX3-related condition. Last evaluated: 2019-11-21. Review status: no assertion criteria provided. Collection method: clinical testing. Allele origin: germline. Not counted in ClinVar's aggregate classification.
Comment: This variant is classified as likely benign based on ACMG/AMP sequence variant interpretation guidelines (Richards et al. 2015 PMID: 25741868, with internal and published modifications).